The following is an entry in ClinVar:

NM_002049.4(GATA1):c.942A>G (p.Lys314=)

Gene: GATA1 (GATA binding protein 1; plus strand). Cytogenetic location: Xp11.23.
Variant type: single nucleotide variant.
Coding change: c.942A>G on transcript NM_002049.4 (MANE Select); coding-DNA position 942, A replaced by G.
Protein change: p.Lys314=; no amino-acid change (lysine 314 retained).
Molecular consequence: synonymous variant.
Genome position (GRCh38, 1-based): chrX:48,793,864, A>G. VCF-style: chrX-48793864-A-G. GRCh37 (hg19) VCF-style: chrX-48652271-A-G.
Identifiers: ClinVar variation 700247 (VCV000700247.13), dbSNP rs150473615, ClinGen allele CA10404679.

ClinVar aggregate classification (germline): Benign/Likely benign. Review status: criteria provided, multiple submitters, no conflicts (2 of 4 stars). 3 submissions from 3 submitters: Benign (1); Likely benign (1). 1 of the submissions does not count toward it. Last evaluated 2025-12-16.

Conditions:
GATA1-related disorder. Also called: GATA1-related condition.
GATA binding protein 1 related thrombocytopenia with dyserythropoiesis. Also called: GATA1-Related X-Linked Cytopenia; GATA1-Related Cytopenia. Identifiers: MedGen C1845837, MONDO:0100089.
Diamond-Blackfan anemia. Also called: Blackfan Diamond syndrome; Aregenerative anemia chronic congenital; Red cell aplasia, pure hereditary; Congenital hypoplastic anemia; Aase syndrome. Identifiers: Orphanet 124, MedGen C1260899, MeSH D029503, MONDO:0015253, HP:0004810.

Allele frequency attached by ClinVar (database versions not stated): gnomAD exomes 0.00003 and 0.00009; ExAC 0.00014; gnomAD 0.00014 and 0.00018; TOPMed 0.00025; 1000 Genomes Project 0.00026; 1000 Genomes Project 30x 0.00042; ESP Exome Variant Server 0.00047.
gnomAD v4.1: 47 of 1,207,311 alleles (0.0039%); highest among the groups gnomAD compares: African/African-American, 0.063%; no homozygotes.

Submissions (3):

Labcorp Genetics (formerly Invitae), Labcorp
Classification: Benign for GATA binding protein 1 related thrombocytopenia with dyserythropoiesis; Diamond-Blackfan anemia. Last evaluated: 2025-12-16. Review status: criteria provided, single submitter. Criteria: Invitae Variant Classification Sherloc (09022015). Collection method: clinical testing. Allele origin: germline.

Blueprint Genetics
Classification: Likely benign. Last evaluated: 2024-08-30. Review status: criteria provided, single submitter. Criteria: ACMG Guidelines, 2015. Collection method: clinical testing. Allele origin: germline.

PreventionGenetics, part of Exact Sciences
Classification: Likely benign for GATA1-related condition. Last evaluated: 2019-06-06. Review status: no assertion criteria provided. Collection method: clinical testing. Allele origin: germline. Not counted in ClinVar's aggregate classification.
Comment: This variant is classified as likely benign based on ACMG/AMP sequence variant interpretation guidelines (Richards et al. 2015 PMID: 25741868, with internal and published modifications).